The following is an entry in ClinVar:

ClinVar aggregate classification (germline): Likely benign (1 of 4 stars; one submission).

Submission:

CeGaT Center for Human Genetics Tuebingen
Classification: Likely benign. Last evaluated: 2025-07-01. Review status: criteria provided, single submitter. Criteria: CeGaT Center For Human Genetics Tuebingen Variant Classification Criteria Version 2. Collection method: clinical testing. Allele origin: germline. Affected: yes. Observed: 3 variant alleles.
Comment: TBX21: BS2

NC_000017.11:g.47731451C>A

Genes: TBX21 (T-box transcription factor 21; plus strand), LOC109286563 (TBX21 promoter region; plus strand). Cytogenetic location: 17q21.32.
Variant type: single nucleotide variant.
Genome position: GRCh38 VCF-style: chr17-47731451-C-A. GRCh37 (hg19) VCF-style: chr17-45808817-C-A.
Identifiers: ClinVar variation 3389428 (VCV003389428.14).